The following is an entry in ClinVar:

ClinVar aggregate classification (germline): Uncertain significance (1 of 4 stars; one submission).

Conditions:
Primary familial hypertrophic cardiomyopathy (HCM). Identifiers: Orphanet 99739, MedGen C0949658, MeSH D024741, MONDO:0024573. Inheritance: Various modes of inheritance.

gnomAD v4.1: 6 of 1,614,076 alleles (0.00037%); highest among the groups gnomAD compares: African/African-American, 0.0067%; no homozygotes.

Submission:

Labcorp Genetics (formerly Invitae), Labcorp
Classification: Uncertain significance for Primary familial hypertrophic cardiomyopathy. Last evaluated: 2025-12-20. Review status: criteria provided, single submitter. Criteria: Invitae Variant Classification Sherloc (09022015). Collection method: clinical testing. Allele origin: germline.
Comment: This sequence change replaces tyrosine, which is neutral and polar, with histidine, which is basic and polar, at codon 278 of the ILK protein (p.Tyr278His). This variant is present in population databases (rs149824696, gnomAD 0.007%). This variant has not been reported in the literature in individuals affected with ILK-related conditions. An algorithm developed to predict the effect of missense changes on protein structure and function (PolyPhen-2) suggests that this variant is likely to be disruptive. In summary, the available evidence is currently insufficient to determine the role of this variant in disease. Therefore, it has been classified as a Variant of Uncertain Significance.

NM_004517.4(ILK):c.832T>C (p.Tyr278His)

Genes: TAF10 (TATA-box binding protein associated factor 10; minus strand), ILK (integrin linked kinase; plus strand). Cytogenetic location: 11p15.4.
Variant type: single nucleotide variant.
Coding change: c.832T>C on transcript NM_004517.4 (MANE Select); coding-DNA position 832, T replaced by C.
Protein change: p.Tyr278His; replaces tyrosine 278 with histidine.
Molecular consequence: missense variant. On other transcripts: 3 prime UTR variant (1).
Genome position (GRCh38, 1-based): chr11:6,609,615, T>C. VCF-style: chr11-6609615-T-C. GRCh37 (hg19) VCF-style: chr11-6630846-T-C.
Other names: c.832T>C, p.Tyr278His (NM_001014794.3, NM_001014795.3); c.649T>C, p.Tyr217His (NM_001278441.2); c.430T>C, p.Tyr144His (NM_001278442.2); c.*1307A>G (NM_006284.4); short protein forms Y144H, Y278H, Y217H.
Identifiers: ClinVar variation 4703767 (VCV004703767.1).
Genomic context (GRCh38, chr11:6,609,615, plus strand): 5'-CAGTCTCCACCTGCTCCTCATCCTACTCTCATCACACACTGGATGCCGTATGGATCCCTC[T>C]ACAATGTACTACATGAAGGCACCAGTGAGTAGGGATGTTGAATTTCCTTGGGGAGGAAAT-3'
Protein context (NP_004508.1, residues 268-288): ITHWMPYGSL[Tyr278His]NVLHEGTNFV